The following is an entry in ClinVar:

NM_001042492.3(NF1):c.1479C>G (p.Leu493=)

Gene: NF1 (neurofibromin 1; plus strand). Cytogenetic location: 17q11.2.
Variant type: single nucleotide variant.
Coding change: c.1479C>G on transcript NM_001042492.3 (MANE Select); coding-DNA position 1479, C replaced by G.
Protein change: p.Leu493=; no amino-acid change (leucine 493 retained).
Molecular consequence: synonymous variant.
Genome position (GRCh38, 1-based): chr17:31,214,537, C>G. VCF-style: chr17-31214537-C-G. GRCh37 (hg19) VCF-style: chr17-29541555-C-G.
Other names: c.1479C>G, p.Leu493= (NM_000267.4, NM_001128147.3).
Identifiers: ClinVar variation 220187 (VCV000220187.19), dbSNP rs139653388, ClinGen allele CA348278.
Genomic context (GRCh38, chr17:31,214,537, plus strand): 5'-AAGCCTTAAATTTAAAGAAAAACCTACAGACCTGGAGACAAGAAGCTATAAGTATCTTCT[C>G]TTGTCCATGGTGAAACTAATTCATGCAGATCCAAAGCTCTTGCTTTGTGTAAGTATTTTT-3'
Protein context (NP_001035957.1, residues 483-503): DLETRSYKYL[Leu493=]LSMVKLIHAD

ClinVar aggregate classification (germline): Benign/Likely benign. Review status: criteria provided, multiple submitters, no conflicts (2 of 4 stars). 7 submissions from 7 submitters: Benign (1); Likely benign (5). 1 of the submissions does not count toward it. Last evaluated 2026-05-15.

Conditions:
NF1-related disorder. Also called: NF1-related condition. Identifiers: MedGen CN379171.
Hereditary cancer-predisposing syndrome. Also called: Tumor predisposition; Neoplastic Syndromes, Hereditary; Hereditary Cancer Syndrome; Hereditary neoplastic syndrome. Identifiers: Orphanet 140162, MedGen C0027672, MeSH D009386, MONDO:0015356.
Neurofibromatosis, type 1 (NF1). Also called: Neurofibromatosis, type I; Peripheral type neurofibromatosis; NEUROFIBROMATOSIS, TYPE I, SOMATIC; VON RECKLINGHAUSEN DISEASE. Identifiers: Orphanet 636, MedGen C0027831, MONDO:0018975, OMIM 162200. Disease mechanism: loss of function.

Allele frequency attached by ClinVar (database versions not stated): gnomAD exomes 0.00001 and 0.00002; ExAC 0.00002; TOPMed 0.00002; ESP Exome Variant Server 0.00015.
gnomAD v4.1: 28 of 1,612,728 alleles (0.0017%); highest among the groups gnomAD compares: Non-Finnish European, 0.0024%; no homozygotes.

Submissions (7):

Myriad Genetics, Inc.
Classification: Benign for Neurofibromatosis, type 1. Last evaluated: 2026-05-15. Review status: criteria provided, single submitter. Criteria: Myriad Autosomal Dominant, Autosomal Recessive and X-Linked Classification Criteria (2023). Collection method: clinical testing. Allele origin: unknown.
Comment: This variant is considered benign. This variant is a silent/synonymous amino acid change and it is not expected to impact splicing.

Labcorp Genetics (formerly Invitae), Labcorp
Classification: Likely benign for Neurofibromatosis, type 1. Last evaluated: 2026-01-26. Review status: criteria provided, single submitter. Criteria: Invitae Variant Classification Sherloc (09022015). Collection method: clinical testing. Allele origin: germline.

Blueprint Genetics
Classification: Likely benign. Last evaluated: 2024-02-28. Review status: criteria provided, single submitter. Criteria: ACMG Guidelines, 2015. Collection method: clinical testing. Allele origin: germline.

Genome-Nilou Lab
Classification: Likely benign for Neurofibromatosis, type 1. Last evaluated: 2022-03-15. Review status: criteria provided, single submitter. Criteria: ACMG Guidelines, 2015. Collection method: clinical testing. Allele origin: germline. Affected: no.

GeneDx
Classification: Likely benign. Last evaluated: 2020-06-16. Review status: criteria provided, single submitter. Criteria: GeneDx Variant Classification Process June 2021. Collection method: clinical testing. Allele origin: germline. Affected: yes.

Ambry Genetics
Classification: Likely benign for Hereditary cancer-predisposing syndrome. Last evaluated: 2015-01-08. Review status: criteria provided, single submitter. Criteria: Ambry Autosomal Dominant and X-Linked criteria (10/2015). Collection method: clinical testing. Allele origin: germline. Observed: 1 variant allele.

PreventionGenetics, part of Exact Sciences
Classification: Likely benign for NF1-related condition. Last evaluated: 2024-08-29. Review status: no assertion criteria provided. Collection method: clinical testing. Allele origin: germline. Not counted in ClinVar's aggregate classification.
Comment: This variant is classified as likely benign based on ACMG/AMP sequence variant interpretation guidelines (Richards et al. 2015 PMID: 25741868, with internal and published modifications).